The following is an entry in ClinVar:

NM_000836.4(GRIN2D):c.874C>A (p.Pro292Thr)

Gene: GRIN2D (glutamate ionotropic receptor NMDA type subunit 2D; plus strand). Cytogenetic location: 19q13.33.
Variant type: single nucleotide variant.
Coding change: c.874C>A on transcript NM_000836.4 (MANE Select); coding-DNA position 874, C replaced by A.
Protein change: p.Pro292Thr; replaces proline 292 with threonine.
Molecular consequence: missense variant.
Genome position (GRCh38, 1-based): chr19:48,405,142, C>A. VCF-style: chr19-48405142-C-A. GRCh37 (hg19) VCF-style: chr19-48908399-C-A.
Other names: short protein forms P292T.
Identifiers: ClinVar variation 1354284 (VCV001354284.6), dbSNP rs2147441924, ClinGen allele CA406692662.

ClinVar aggregate classification (germline): Uncertain significance (1 of 4 stars; one submission).

Submission:

Labcorp Genetics (formerly Invitae), Labcorp
Classification: Uncertain significance. Last evaluated: 2022-07-06. Review status: criteria provided, single submitter. Criteria: Invitae Variant Classification Sherloc (09022015). Collection method: clinical testing. Allele origin: germline.
Comment: ClinVar contains an entry for this variant (Variation ID: 1354284). Advanced modeling of protein sequence and biophysical properties (such as structural, functional, and spatial information, amino acid conservation, physicochemical variation, residue mobility, and thermodynamic stability) performed at Invitae indicates that this missense variant is not expected to disrupt GRIN2D protein function. In summary, the available evidence is currently insufficient to determine the role of this variant in disease. Therefore, it has been classified as a Variant of Uncertain Significance. This variant has not been reported in the literature in individuals affected with GRIN2D-related conditions. This sequence change replaces proline, which is neutral and non-polar, with threonine, which is neutral and polar, at codon 292 of the GRIN2D protein (p.Pro292Thr). This variant is not present in population databases (gnomAD no frequency).